The following is an entry in ClinVar:

NM_021020.5(LZTS1):c.788T>C (p.Ile263Thr)

Gene: LZTS1 (leucine zipper tumor suppressor 1; minus strand). Cytogenetic location: 8p21.3.
Variant type: single nucleotide variant.
Coding change: c.788T>C on transcript NM_021020.5 (MANE Select); coding-DNA position 788, T replaced by C.
Protein change: p.Ile263Thr; replaces isoleucine 263 with threonine.
Molecular consequence: missense variant.
Genome position (GRCh38, 1-based): chr8:20,253,143, A>G on the plus strand (T>C on the coding strand, the complement: LZTS1 is on the minus strand). VCF-style: chr8-20253143-A-G. GRCh37 (hg19) VCF-style: chr8-20110654-A-G.
Other names: c.788T>C, p.Ile263Thr (NM_001362884.2); short protein forms I263T.
Identifiers: ClinVar variation 4740765 (VCV004740765.1).

ClinVar aggregate classification (germline): Uncertain significance (1 of 4 stars; one submission).

Submission:

Labcorp Genetics (formerly Invitae), Labcorp
Classification: Uncertain significance. Last evaluated: 2025-02-27. Review status: criteria provided, single submitter. Criteria: Invitae Variant Classification Sherloc (09022015). Collection method: clinical testing. Allele origin: germline.
Comment: This sequence change replaces isoleucine, which is neutral and non-polar, with threonine, which is neutral and polar, at codon 263 of the LZTS1 protein (p.Ile263Thr). This variant is not present in population databases (gnomAD no frequency). This variant has not been reported in the literature in individuals affected with LZTS1-related conditions. Invitae Evidence Modeling of protein sequence and biophysical properties (such as structural, functional, and spatial information, amino acid conservation, physicochemical variation, residue mobility, and thermodynamic stability) has been performed for this missense variant. However, the output from this modeling did not meet the statistical confidence thresholds required to predict the impact of this variant on LZTS1 protein function. In summary, the available evidence is currently insufficient to determine the role of this variant in disease. Therefore, it has been classified as a Variant of Uncertain Significance.